The following is an entry in ClinVar:

NM_001042492.3(NF1):c.4063T>A (p.Ser1355Thr)

Gene: NF1 (neurofibromin 1; plus strand). Cytogenetic location: 17q11.2.
Variant type: single nucleotide variant.
Coding change: c.4063T>A on transcript NM_001042492.3 (MANE Select); coding-DNA position 4063, T replaced by A.
Protein change: p.Ser1355Thr; replaces serine 1355 with threonine.
Molecular consequence: missense variant.
Genome position (GRCh38, 1-based): chr17:31,249,072, T>A. VCF-style: chr17-31249072-T-A. GRCh37 (hg19) VCF-style: chr17-29576090-T-A.
Other names: c.4063T>A, p.Ser1355Thr (NM_000267.4); short protein forms S1355T.
Identifiers: ClinVar variation 3237763 (VCV003237763.1), dbSNP rs2151451522.

ClinVar aggregate classification (germline): Uncertain significance (1 of 4 stars; one submission).

Conditions:
Hereditary cancer-predisposing syndrome. Also called: Neoplastic Syndromes, Hereditary; Tumor predisposition; Hereditary neoplastic syndrome; Hereditary Cancer Syndrome. Identifiers: Orphanet 140162, MedGen C0027672, MeSH D009386, MONDO:0015356.
Cardiovascular phenotype. Identifiers: MedGen CN230736.

Submission:

Ambry Genetics
Classification: Uncertain significance for Cardiovascular phenotype; Hereditary cancer-predisposing syndrome. Last evaluated: 2023-09-29. Review status: criteria provided, single submitter. Criteria: Ambry Variant Classification Scheme 2023. Collection method: clinical testing. Allele origin: germline.
Comment: The p.S1355T variant (also known as c.4063T>A), located in coding exon 30 of the NF1 gene, results from a T to A substitution at nucleotide position 4063. The serine at codon 1355 is replaced by threonine, an amino acid with similar properties. This amino acid position is not well conserved in available vertebrate species. In addition, this alteration is predicted to be tolerated by in silico analysis. Since supporting evidence is limited at this time, the clinical significance of this alteration remains unclear.